The following is an entry in ClinVar:

ClinVar aggregate classification (germline): Conflicting classifications of pathogenicity. Review status: criteria provided, conflicting classifications (1 of 4 stars). 3 submissions from 3 submitters: Uncertain significance (1); Benign (1); Likely benign (1). Last evaluated 2025-05-06.

Conditions:
Tip-toe gait. Also called: Toe walking. Identifiers: MedGen C0427144, HP:0030051.

Allele frequency attached by ClinVar (database versions not stated): gnomAD exomes 0.00004 and 0.00007; gnomAD 0.00006; ESP Exome Variant Server 0.00008; TOPMed 0.00008; ExAC 0.00009.

Submissions (3):

Labcorp Genetics (formerly Invitae), Labcorp
Classification: Uncertain significance. Last evaluated: 2025-05-06. Review status: criteria provided, single submitter. Criteria: Invitae Variant Classification Sherloc (09022015). Collection method: clinical testing. Allele origin: germline.
Comment: This sequence change affects codon 477 of the SBF1 mRNA. It is a 'silent' change, meaning that it does not change the encoded amino acid sequence of the SBF1 protein. It affects a nucleotide within the consensus splice site. This variant is present in population databases (rs371569398, gnomAD 0.03%). This variant has not been reported in the literature in individuals affected with SBF1-related conditions. ClinVar contains an entry for this variant (Variation ID: 1388818). Algorithms developed to predict the effect of sequence changes on RNA splicing suggest that this variant is not likely to affect RNA splicing. In summary, the available evidence is currently insufficient to determine the role of this variant in disease. Therefore, it has been classified as a Variant of Uncertain Significance.

CeGaT Center for Human Genetics Tuebingen
Classification: Likely benign. Last evaluated: 2025-05-01. Review status: criteria provided, single submitter. Criteria: CeGaT Center For Human Genetics Tuebingen Variant Classification Criteria Version 2. Collection method: clinical testing. Allele origin: germline. Affected: yes. Observed: 1 variant allele.
Comment: SBF1: BP4, BP7

Practice for Gait Abnormalities, David Pomarino, Competency Network Toe Walking C/o Practice Pomarino
Classification: Benign for Tip-toe gait. Last evaluated: 2022-12-12. Review status: criteria provided, single submitter. Criteria: Pomarino et al. (Glob Med Genet. 2026). Collection method: clinical testing. Allele origin: germline. Affected: yes.

NM_002972.4(SBF1):c.1431C>T (p.Asn477=)

Gene: SBF1 (SET binding factor 1; minus strand). Cytogenetic location: 22q13.33.
Variant type: single nucleotide variant.
Coding change: c.1431C>T on transcript NM_002972.4 (MANE Select); coding-DNA position 1431, C replaced by T.
Protein change: p.Asn477=; no amino-acid change (asparagine 477 retained).
Molecular consequence: synonymous variant.
Genome position (GRCh38, 1-based): chr22:50,464,819, G>A on the plus strand (C>T on the coding strand, the complement: SBF1 is on the minus strand). VCF-style: chr22-50464819-G-A. GRCh37 (hg19) VCF-style: chr22-50903248-G-A.
Other names: c.1431C>T (NM_002972.3); c.1434C>T, p.Asn478= (NM_001365819.1).
Identifiers: ClinVar variation 1388818 (VCV001388818.16), dbSNP rs371569398, ClinGen allele CA10317679.